The following is an entry in ClinVar:

NM_003126.4(SPTA1):c.6378G>T (p.Val2126=)

Gene: SPTA1 (spectrin alpha, erythrocytic 1; minus strand). Cytogenetic location: 1q23.1.
Variant type: single nucleotide variant.
Coding change: c.6378G>T on transcript NM_003126.4 (MANE Select); coding-DNA position 6378, G replaced by T.
Protein change: p.Val2126=; no amino-acid change (valine 2126 retained).
Molecular consequence: synonymous variant.
Genome position (GRCh38, 1-based): chr1:158,620,209, C>A on the plus strand (G>T on the coding strand, the complement: SPTA1 is on the minus strand). VCF-style: chr1-158620209-C-A. GRCh37 (hg19) VCF-style: chr1-158589999-C-A.
Identifiers: ClinVar variation 292953 (VCV000292953.9), dbSNP rs141823269, ClinGen allele CA1182023.
Genomic context (GRCh38, chr1:158,620,209, plus strand): 5'-TTCTGCCGTGTTCCAGGTTACCTCAATGATGTCAGATAGGTGCTTCCAGGTCCTTTCCAG[C>A]ACCTCCACTGTTAACCAGGTATAAGGGCTGGAAGGCACACCTAAGGCCTTAATCTGCTGG-3'
Protein context (NP_003117.2, residues 2116-2136): SSPYTWLTVE[Val2126=]LERTWKHLSD

ClinVar aggregate classification (germline): Conflicting classifications of pathogenicity. Review status: criteria provided, conflicting classifications (1 of 4 stars). 5 submissions from 3 submitters: Uncertain significance (3); Likely benign (1). 1 of the submissions does not count toward it. Last evaluated 2025-04-27.

Conditions:
Elliptocytosis 2 (EL2). Also called: ELLIPTOCYTOSIS, RHESUS-UNLINKED TYPE. Identifiers: Orphanet 288, MedGen C1851741, MONDO:0007533, OMIM 130600.
SPTA1-related disorder. Also called: SPTA1-related disorders; SPTA1-related condition.
Hereditary spherocytosis type 3. Also called: Spherocytosis type 3; SPTA1-Related Spherocytosis. Identifiers: Orphanet 822, MedGen C2678338, MONDO:0010053, OMIM 270970.
Pyropoikilocytosis, hereditary. Also called: Pyropoikilocytosis. Identifiers: MedGen C0520739, MONDO:0009948, OMIM 266140, HP:0004839. Disease mechanism: loss of function.

Allele frequency attached by ClinVar (database versions not stated): gnomAD 0.00019; TOPMed 0.00028; ESP Exome Variant Server 0.00042.
gnomAD v4.1: 558 of 1,614,002 alleles (0.035%); highest among the groups gnomAD compares: Non-Finnish European, 0.045%; no homozygotes.

Submissions (5):

Labcorp Genetics (formerly Invitae), Labcorp
Classification: Likely benign. Last evaluated: 2025-04-27. Review status: criteria provided, single submitter. Criteria: Invitae Variant Classification Sherloc (09022015). Collection method: clinical testing. Allele origin: germline.

Illumina Laboratory Services, Illumina
Classification: Uncertain significance for Elliptocytosis 2. Last evaluated: 2018-01-12. Review status: criteria provided, single submitter. Criteria: ICSL Variant Classification Criteria 13 December 2019. Collection method: clinical testing. Allele origin: germline.

Illumina Laboratory Services, Illumina
Classification: Uncertain significance for Pyropoikilocytosis, hereditary. Last evaluated: 2018-01-12. Review status: criteria provided, single submitter. Criteria: ICSL Variant Classification Criteria 13 December 2019. Collection method: clinical testing. Allele origin: germline.

Illumina Laboratory Services, Illumina
Classification: Uncertain significance for Hereditary spherocytosis type 3. Last evaluated: 2018-01-12. Review status: criteria provided, single submitter. Criteria: ICSL Variant Classification Criteria 13 December 2019. Collection method: clinical testing. Allele origin: germline.

PreventionGenetics, part of Exact Sciences
Classification: Likely benign for SPTA1-related condition. Last evaluated: 2024-06-12. Review status: no assertion criteria provided. Collection method: clinical testing. Allele origin: germline. Not counted in ClinVar's aggregate classification.
Comment: This variant is classified as likely benign based on ACMG/AMP sequence variant interpretation guidelines (Richards et al. 2015 PMID: 25741868, with internal and published modifications).